The following is an entry in ClinVar:

NM_001378615.1(CC2D2A):c.501G>T (p.Lys167Asn)

Genes: CC2D2A (coiled-coil and C2 domain containing 2A; plus strand), FBXL5 (F-box and leucine rich repeat protein 5; minus strand). Cytogenetic location: 4p15.32.
Variant type: single nucleotide variant.
Coding change: c.501G>T on transcript NM_001378615.1 (MANE Select); coding-DNA position 501, G replaced by T.
Protein change: p.Lys167Asn; replaces lysine 167 with asparagine.
Molecular consequence: missense variant.
Genome position (GRCh38, 1-based): chr4:15,510,201, G>T. VCF-style: chr4-15510201-G-T. GRCh37 (hg19) VCF-style: chr4-15511824-G-T.
Other names: c.501G>T, p.Lys167Asn (NM_001080522.2); c.354G>T, p.Lys118Asn (NM_001378617.1); short protein forms K167N, K118N.
Identifiers: ClinVar variation 198763 (VCV000198763.24), dbSNP rs190694237, ClinGen allele CA247569.

ClinVar aggregate classification (germline): Conflicting classifications of pathogenicity. Review status: criteria provided, conflicting classifications (1 of 4 stars). 5 submissions from 5 submitters: Uncertain significance (1); Benign (2); Likely benign (1). 1 of the submissions does not count toward it. Last evaluated 2026-01-28.

Conditions:
CC2D2A-related disorder. Also called: CC2D2A-related disorders; CC2D2A-related condition. Identifiers: MedGen CN239313.
Meckel-Gruber syndrome. Also called: DYSENCEPHALIA SPLANCHNOCYSTICA; GRUBER SYNDROME; Dysencephalia splachnocystica. Identifiers: Orphanet 564, MedGen C0265215, MONDO:0018921.
Joubert syndrome. Also called: Familial aplasia of the vermis; JOUBERT-BOLTSHAUSER SYNDROME. Identifiers: Orphanet 475, MedGen C5979921, MONDO:0018772.

Allele frequency attached by ClinVar (database versions not stated): gnomAD 0.00026 and 0.00038; TOPMed 0.00070; ExAC 0.00090; 1000 Genomes Project 30x 0.00125; 1000 Genomes Project 0.00140.

Submissions (5):

Labcorp Genetics (formerly Invitae), Labcorp
Classification: Benign for Joubert syndrome; Meckel-Gruber syndrome. Last evaluated: 2026-01-28. Review status: criteria provided, single submitter. Criteria: Invitae Variant Classification Sherloc (09022015). Collection method: clinical testing. Allele origin: germline.

Blueprint Genetics
Classification: Uncertain significance. Last evaluated: 2024-11-08. Review status: criteria provided, single submitter. Criteria: ACMG Guidelines, 2015. Collection method: clinical testing. Allele origin: germline.

GeneDx
Classification: Likely benign. Last evaluated: 2020-03-25. Review status: criteria provided, single submitter. Criteria: GeneDx Variant Classification Process June 2021. Collection method: clinical testing. Allele origin: germline. Affected: yes.
Comment: See Variant Classification Assertion Criteria.

Eurofins Ntd Llc (ga)
Classification: Benign. Last evaluated: 2018-02-01. Review status: criteria provided, single submitter. Criteria: EGL Classification Definitions 2015. Collection method: clinical testing. Allele origin: germline. Observed: 2 variant alleles, 2 heterozygotes.

PreventionGenetics, part of Exact Sciences
Classification: Benign for CC2D2A-related condition. Last evaluated: 2023-03-15. Review status: no assertion criteria provided. Collection method: clinical testing. Allele origin: germline. Not counted in ClinVar's aggregate classification.
Comment: This variant is classified as benign based on ACMG/AMP sequence variant interpretation guidelines (Richards et al. 2015 PMID: 25741868, with internal and published modifications).